The following is an entry in ClinVar:

ClinVar aggregate classification (germline): Likely benign. Review status: criteria provided, single submitter (1 of 4 stars). 2 submissions from 2 submitters: Likely benign (1). 1 of the submissions does not count toward it. Last evaluated 2025-04-09.

Conditions:
NRAP-related disorder. Also called: NRAP-related condition.

Allele frequency attached by ClinVar (database versions not stated): gnomAD exomes 0.00018; gnomAD 0.00022; ESP Exome Variant Server 0.00023; TOPMed 0.00027; ExAC 0.00034.
gnomAD v4.1: 340 of 1,611,738 alleles (0.021%); highest among the groups gnomAD compares: Admixed American, 0.01%; no homozygotes.

Submissions (2):

Molecular Diagnostic Laboratory for Inherited Cardiovascular Disease, Montreal Heart Institute
Classification: Likely benign. Last evaluated: 2025-04-09. Review status: criteria provided, single submitter. Criteria: ACMG Guidelines, 2015. Collection method: clinical testing. Allele origin: germline. Affected: no.

PreventionGenetics, part of Exact Sciences
Classification: Likely benign for NRAP-related condition. Last evaluated: 2019-05-16. Review status: no assertion criteria provided. Collection method: clinical testing. Allele origin: germline. Not counted in ClinVar's aggregate classification.
Comment: This variant is classified as likely benign based on ACMG/AMP sequence variant interpretation guidelines (Richards et al. 2015 PMID: 25741868, with internal and published modifications).

NM_198060.4(NRAP):c.492C>G (p.Pro164=)

Gene: NRAP (nebulin related anchoring protein; minus strand). Cytogenetic location: 10q25.3.
Variant type: single nucleotide variant.
Coding change: c.492C>G on transcript NM_198060.4 (MANE Select); coding-DNA position 492, C replaced by G.
Protein change: p.Pro164=; no amino-acid change (proline 164 retained).
Molecular consequence: synonymous variant.
Genome position (GRCh38, 1-based): chr10:113,653,013, G>C on the plus strand (C>G on the coding strand, the complement: NRAP is on the minus strand). VCF-style: chr10-113653013-G-C. GRCh37 (hg19) VCF-style: chr10-115412772-G-C.
Other names: c.492C>G, p.Pro164= (NM_001261463.2, NM_001322945.2, NM_006175.5).
Identifiers: ClinVar variation 3041534 (VCV003041534.3), dbSNP rs149492667, ClinGen allele CA5695910.
Genomic context (GRCh38, chr10:113,653,013, plus strand): 5'-GGCTTTCTTGGCCCTTTGATAAGCAGGTGTGATCATGGCTGGAAAGCTCCCCTTGCCCCT[G>C]GGTTGCTCATAGTCTTCTGTATATTCCTGTTGGTCAGAACCAATGTCAGCATGAGAACTG-3'
Protein context (NP_932326.2, residues 154-174): GEEYTEDYEQ[Pro164=]RGKGSFPAMI